The following is an entry in ClinVar:

NM_152309.3(PIK3AP1):c.562T>C (p.Cys188Arg)

Gene: PIK3AP1 (phosphoinositide-3-kinase adaptor protein 1; minus strand). Cytogenetic location: 10q24.1.
Variant type: single nucleotide variant.
Coding change: c.562T>C on transcript NM_152309.3 (MANE Select); coding-DNA position 562, T replaced by C.
Protein change: p.Cys188Arg; replaces cysteine 188 with arginine.
Molecular consequence: missense variant.
Genome position (GRCh38, 1-based): chr10:96,656,803, A>G on the plus strand (T>C on the coding strand, the complement: PIK3AP1 is on the minus strand). VCF-style: chr10-96656803-A-G. GRCh37 (hg19) VCF-style: chr10-98416560-A-G.
Other names: short protein forms C188R.
Identifiers: ClinVar variation 1044754 (VCV001044754.8), dbSNP rs1843620428, ClinGen allele CA377749655.

ClinVar aggregate classification (germline): Uncertain significance (1 of 4 stars; one submission).

Conditions:
Infantile spasms. Also called: Infantile spasm. Identifiers: MedGen C3887898, HP:0012469.

Submission:

Labcorp Genetics (formerly Invitae), Labcorp
Classification: Uncertain significance for Infantile spasms. Last evaluated: 2022-01-06. Review status: criteria provided, single submitter. Criteria: Invitae Variant Classification Sherloc (09022015). Collection method: clinical testing. Allele origin: germline.
Comment: This variant is not present in population databases (gnomAD no frequency). In summary, the available evidence is currently insufficient to determine the role of this variant in disease. Therefore, it has been classified as a Variant of Uncertain Significance. Algorithms developed to predict the effect of missense changes on protein structure and function are either unavailable or do not agree on the potential impact of this missense change (SIFT: "Deleterious"; PolyPhen-2: "Possibly Damaging"; Align-GVGD: "Class C0"). ClinVar contains an entry for this variant (Variation ID: 1044754). This variant has not been reported in the literature in individuals affected with PIK3AP1-related conditions. This sequence change replaces cysteine, which is neutral and slightly polar, with arginine, which is basic and polar, at codon 188 of the PIK3AP1 protein (p.Cys188Arg).